The following is an entry in ClinVar:

ClinVar aggregate classification (germline): Benign/Likely benign. Review status: criteria provided, multiple submitters, no conflicts (2 of 4 stars). 3 submissions from 3 submitters: Benign (1); Likely benign (2). Last evaluated 2025-01-02.

Conditions:
Hereditary nonpolyposis colorectal neoplasms. Identifiers: MedGen C0009405, MeSH D003123.
Hereditary cancer-predisposing syndrome. Also called: Hereditary neoplastic syndrome; Hereditary Cancer Syndrome; Neoplastic Syndromes, Hereditary; Tumor predisposition. Identifiers: Orphanet 140162, MedGen C0027672, MeSH D009386, MONDO:0015356.
Lynch syndrome 5 (LYNCH5). Also called: Hereditary non-polyposis colorectal cancer, type 5; Colorectal cancer, hereditary nonpolyposis, type 5. Identifiers: Orphanet 144, MedGen C1833477, MONDO:0013710, OMIM 614350. Disease mechanism: loss of function.

gnomAD v4.1: 3 of 1,562,346 alleles (0.00019%); highest among the groups gnomAD compares: Non-Finnish European, 0.00017%; no homozygotes.

Submissions (3):

Myriad Genetics, Inc.
Classification: Benign for Lynch syndrome 5. Last evaluated: 2025-01-02. Review status: criteria provided, single submitter. Criteria: Myriad Autosomal Dominant, Autosomal Recessive and X-Linked Classification Criteria (2023). Collection method: clinical testing. Allele origin: unknown.
Comment: This variant is considered benign. This variant is a silent/synonymous amino acid change and it is not expected to impact splicing.

Labcorp Genetics (formerly Invitae), Labcorp
Classification: Likely benign for Hereditary nonpolyposis colorectal neoplasms. Last evaluated: 2024-10-01. Review status: criteria provided, single submitter. Criteria: Invitae Variant Classification Sherloc (09022015). Collection method: clinical testing. Allele origin: germline.

Ambry Genetics
Classification: Likely benign for Hereditary cancer-predisposing syndrome. Last evaluated: 2015-12-03. Review status: criteria provided, single submitter. Criteria: Ambry Variant Classification Scheme 2023. Collection method: clinical testing. Allele origin: germline.

NM_000179.3(MSH6):c.3006C>T (p.Gly1002=)

Gene: MSH6 (mutS homolog 6; plus strand). Cytogenetic location: 2p16.3.
Variant type: single nucleotide variant.
Coding change: c.3006C>T on transcript NM_000179.3 (MANE Select); coding-DNA position 3006, C replaced by T.
Protein change: p.Gly1002=; no amino-acid change (glycine 1002 retained).
Molecular consequence: synonymous variant.
Genome position (GRCh38, 1-based): chr2:47,800,989, C>T. VCF-style: chr2-47800989-C-T. GRCh37 (hg19) VCF-style: chr2-48028128-C-T.
Other names: c.2616C>T, p.Gly872= (NM_001281492.2); c.2100C>T, p.Gly700= (NM_001281493.2, NM_001281494.2).
Identifiers: ClinVar variation 237173 (VCV000237173.13), dbSNP rs878853726, ClinGen allele CA10582074.